The following is an entry in ClinVar:

ClinVar aggregate classification (germline): Uncertain significance. Review status: criteria provided, multiple submitters, no conflicts (2 of 4 stars). 2 submissions from 2 submitters: Uncertain significance (2). Last evaluated 2025-11-01.

Submissions (3):

CeGaT Center for Human Genetics Tuebingen
Classification: Uncertain significance. Last evaluated: 2025-11-01. Review status: criteria provided, single submitter. Criteria: CeGaT Center For Human Genetics Tuebingen Variant Classification Criteria Version 2. Collection method: clinical testing. Allele origin: germline. Affected: yes. Observed: 1 variant allele.
Comment: SMS: PM2, PP3

GeneDx
Classification: Uncertain significance. Last evaluated: 2025-04-07. Review status: criteria provided, single submitter. Criteria: GeneDx Variant Classification Process June 2021. Collection method: clinical testing. Allele origin: germline. Affected: yes.
Comment: Not observed at significant frequency in large population cohorts (gnomAD); In silico analysis supports a deleterious effect on splicing; Has not been previously published as pathogenic or benign to our knowledge

Dr. Peter K. Rogan Lab, Western University
No classification provided (evidence only). Condition: Colon adenocarcinoma. Review status: no classification provided. Collection method: in vitro. Allele origin: not applicable. Functional consequence: retained intron. Not counted in ClinVar's aggregate classification.

NM_004595.5(SMS):c.661-4G>A

Gene: SMS (spermine synthase; plus strand). Cytogenetic location: Xp22.11.
Variant type: single nucleotide variant.
Coding change: c.661-4G>A on transcript NM_004595.5 (MANE Select); 4 bases into the intron before coding-DNA position 661, G replaced by A.
Molecular consequence: intron variant.
Genome position (GRCh38, 1-based): chrX:21,978,873, G>A. VCF-style: chrX-21978873-G-A. GRCh37 (hg19) VCF-style: chrX-21996991-G-A.
Other names: NC_000023.10:g.21996991G>A; c.502-4G>A (NM_001258423.2).
Identifiers: ClinVar variation 4281801 (VCV004281801.8).